The following is an entry in ClinVar:

NM_001042492.3(NF1):c.5983A>C (p.Lys1995Gln)

Gene: NF1 (neurofibromin 1; plus strand). Cytogenetic location: 17q11.2.
Variant type: single nucleotide variant.
Coding change: c.5983A>C on transcript NM_001042492.3 (MANE Select); coding-DNA position 5983, A replaced by C.
Protein change: p.Lys1995Gln; replaces lysine 1995 with glutamine.
Molecular consequence: missense variant.
Genome position (GRCh38, 1-based): chr17:31,335,008, A>C. VCF-style: chr17-31335008-A-C. GRCh37 (hg19) VCF-style: chr17-29662026-A-C.
Other names: c.5920A>C, p.Lys1974Gln (NM_000267.4); short protein forms K1995Q, K1974Q.
Identifiers: ClinVar variation 3879139 (VCV003879139.1).
Genomic context (GRCh38, chr17:31,335,008, plus strand): 5'-CTTGACAAGCTGATAACAATGACCATCAATGAAAAACAGATGTACCCATCTATTCAAGCA[A>C]AAATATGGGGAAGCCTTGGGCAGGTATTGAGTTTGCTCAAATATTTATCTAGTATCTCCT-3'
Protein context (NP_001035957.1, residues 1985-2005): EKQMYPSIQA[Lys1995Gln]IWGSLGQITD

ClinVar aggregate classification (germline): Uncertain significance (1 of 4 stars; one submission).

Conditions:
Cardiovascular phenotype. Identifiers: MedGen CN230736.
Hereditary cancer-predisposing syndrome. Also called: Tumor predisposition; Neoplastic Syndromes, Hereditary; Hereditary Cancer Syndrome; Hereditary neoplastic syndrome. Identifiers: Orphanet 140162, MedGen C0027672, MeSH D009386, MONDO:0015356.

Submission:

Ambry Genetics
Classification: Uncertain significance for Cardiovascular phenotype; Hereditary cancer-predisposing syndrome. Last evaluated: 2025-02-28. Review status: criteria provided, single submitter. Criteria: Ambry Variant Classification Scheme 2023. Collection method: clinical testing. Allele origin: germline.
Comment: The p.K1974Q variant (also known as c.5920A>C), located in coding exon 39 of the NF1 gene, results from an A to C substitution at nucleotide position 5920. The lysine at codon 1974 is replaced by glutamine, an amino acid with similar properties. This amino acid position is conserved. In addition, this alteration is predicted to be deleterious by in silico analysis. Based on the available evidence, the clinical significance of this variant remains unclear.